The following is an entry in ClinVar:

NM_000169.3(GLA):c.337T>A (p.Phe113Ile)

Genes: GLA (galactosidase alpha; minus strand), RPL36A-HNRNPH2 (RPL36A-HNRNPH2 readthrough; plus strand). Cytogenetic location: Xq22.1.
Variant type: single nucleotide variant.
Coding change: c.337T>A on transcript NM_000169.3 (MANE Select); coding-DNA position 337, T replaced by A.
Protein change: p.Phe113Ile; replaces phenylalanine 113 with isoleucine.
Molecular consequence: missense variant. On other transcripts: non-coding transcript variant (3), intron variant (2).
Genome position (GRCh38, 1-based): chrX:101,403,843, A>T on the plus strand (T>A on the coding strand, the complement: GLA is on the minus strand). VCF-style: chrX-101403843-A-T. GRCh37 (hg19) VCF-style: chrX-100658831-A-T.
Other names: c.460T>A, p.Phe154Ile (NM_001406747.1, NM_001406749.1); c.337T>A, p.Phe113Ile (NM_001406748.1); c.301-8093A>T (NM_001199973.2); c.178-8093A>T (NM_001199974.2); short protein forms F113I, F154I.
Identifiers: ClinVar variation 217383 (VCV000217383.3), dbSNP rs869312142, ClinGen allele CA353045.
Genomic context (GRCh38, chrX:101,403,843, plus strand): 5'-TGAACAAGAACATTATCTATAAACTCACATAATTAGCTAGCTGGCGAATCCCATGAGGAA[A>T]GCGCTGAGGGTCTGCCTGAAGTCTGCCTTCTGAATCTCTTTGGGGAGCCATCCAACAGTC-3'
Protein context (NP_000160.1, residues 103-123): EGRLQADPQR[Phe113Ile]PHGIRQLANY

ClinVar aggregate classification (germline): Likely pathogenic. Review status: criteria provided, single submitter (1 of 4 stars). 3 submissions from 2 submitters: Likely pathogenic (1). 2 of the submissions do not count toward it. Last evaluated 2026-09-08.

Conditions:
Fabry disease. Also called: ALPHA-GALACTOSIDASE A DEFICIENCY; ANDERSON-FABRY DISEASE; CERAMIDE TRIHEXOSIDASE DEFICIENCY; Fabry's disease; Angiokeratoma corporis diffusum; Ceramide trihexosidosis. Identifiers: Orphanet 324, MedGen C0002986, MONDO:0010526, OMIM 301500, HP:0001071. Disease mechanism: loss of function, Fabry disease is due to inactivating mutations in the X-linked GLA gene resulting in deficiency of the enzyme Alpha Galactosidase-A..
Migalastat response. Also called: 1-Deoxygalactonojirimycin response; Galafold response. Identifiers: MedGen CN233149.

Submissions (3):

Genomenon, Inc
Classification: Likely pathogenic for Fabry disease. Last evaluated: 2026-09-08. Review status: criteria provided, single submitter. Criteria: Genomenon Sequence Variant Interpretation Standards - Updated. Collection method: curation. Allele origin: germline. Affected: yes.
Comment: GLA p.Phe113Ile (c.337T>A) is a missense variant that changes the amino acid at codon 113 from Phenylalanine to Isoleucine. This variant has been observed in at least one proband with clinical features consistent with Fabry disease (PMID:26415523;30386727;34514044). The variant was found to segregate with disease in at least one affected family (PMID:34514044). Functional or patient cell studies have been reported (PMID:26415523). It is absent or not present at a significant frequency in gnomAD. In silico models predict that this variant is possibly or probably damaging. In conclusion, we classify GLA p.Phe113Ile (c.337T>A) as a likely pathogenic variant.

Albrecht-Kossel-Institute, Medical University Rostock
Classification: Likely pathogenic for Fabry's disease. Last evaluated: 2014-01-01. Review status: no assertion criteria provided. Collection method: research. Allele origin: inherited. Not counted in ClinVar's aggregate classification.

Albrecht-Kossel-Institute, Medical University Rostock
Classification: drug response for deoxygalactonojirimycin response. Last evaluated: 2014-01-01. Review status: no assertion criteria provided. Collection method: research. Allele origin: inherited. Not counted in ClinVar's aggregate classification.

Literature cited by the submitters: PubMed 26415523 (cited by Genomenon, Inc and Albrecht-Kossel-Institute, Medical University Rostock); PubMed 30386727 (cited by Genomenon, Inc); PubMed 34514044 (cited by Genomenon, Inc).